The following is an entry in ClinVar:

NM_000051.4(ATM):c.4730_4733del (p.Thr1577fs)

Gene: ATM (ATM serine/threonine kinase; plus strand). Cytogenetic location: 11q22.3.
Variant type: Deletion.
Coding change: c.4730_4733del on transcript NM_000051.4 (MANE Select); coding-DNA positions 4730 to 4733, 4 bases deleted (CTCA; older notation c.4730_4733delCTCA).
Protein change: p.Thr1577fs; shifts the reading frame from threonine 1577.
Molecular consequence: frameshift variant.
Genome position (GRCh38, 1-based): chr11:108,293,431-108,293,434, CTCA deleted; deleting any 4 consecutive bases within chr11:108,293,430-108,293,434 gives the same sequence; the c. name uses the placement nearest the transcript's 3' end. VCF-style (leftmost placement, unchanged base first): chr11-108293429-TACTC-T. GRCh37 (hg19) VCF-style: chr11-108164156-TACTC-T.
Other names: c.4730_4733del, p.Thr1577fs (NM_001351834.2); short protein forms T1577fs.
Identifiers: ClinVar variation 2763363 (VCV002763363.4), dbSNP rs2546931786, ClinGen allele CA2697558846.

ClinVar aggregate classification (germline): Pathogenic. Review status: criteria provided, multiple submitters, no conflicts (2 of 4 stars). 2 submissions from 2 submitters: Pathogenic (2). Last evaluated 2024-01-24.

Conditions:
Familial cancer of breast. Also called: BREAST CANCER, FAMILIAL; Hereditary breast cancer; hereditary breast carcinoma. Identifiers: Orphanet 227535, MedGen C0346153, MONDO:0016419, OMIM 114480. Disease mechanism: loss of function.
Ataxia-telangiectasia syndrome (AT). Also called: Ataxia-telangiectasia, complementation group D; LOUIS-BAR SYNDROME; ATAXIA-TELANGIECTASIA, COMPLEMENTATION GROUP A; ATAXIA-TELANGIECTASIA, FRESNO VARIANT; Ataxia telangiectasia (A-T); Cerebello-oculocutaneous telangiectasia. Identifiers: Orphanet 100, MedGen C0004135, MONDO:0008840, OMIM 208900.

Submissions (2):

Myriad Genetics, Inc.
Classification: Pathogenic for Familial cancer of breast. Last evaluated: 2024-01-24. Review status: criteria provided, single submitter. Criteria: Myriad Autosomal Dominant, Autosomal Recessive and X-Linked Classification Criteria (2023). Collection method: clinical testing. Allele origin: unknown.
Comment: This variant is considered pathogenic. This variant creates a frameshift predicted to result in premature protein truncation.

Labcorp Genetics (formerly Invitae), Labcorp
Classification: Pathogenic for Ataxia-telangiectasia syndrome. Last evaluated: 2023-09-28. Review status: criteria provided, single submitter. Criteria: Invitae Variant Classification Sherloc (09022015). Collection method: clinical testing. Allele origin: germline.
Comment: This sequence change creates a premature translational stop signal (p.Thr1577Serfs*23) in the ATM gene. It is expected to result in an absent or disrupted protein product. Loss-of-function variants in ATM are known to be pathogenic (PMID: 23807571, 25614872). This variant is not present in population databases (gnomAD no frequency). This variant has not been reported in the literature in individuals affected with ATM-related conditions. For these reasons, this variant has been classified as Pathogenic.

Literature cited by the submitters: PubMed 23807571 (cited by Labcorp Genetics (formerly Invitae), Labcorp); PubMed 25614872 (cited by Labcorp Genetics (formerly Invitae), Labcorp).